The following is an entry in ClinVar:

NM_012470.4(TNPO3):c.964C>T (p.Arg322Ter)

Gene: TNPO3 (transportin 3; minus strand). Cytogenetic location: 7q32.1.
Variant type: single nucleotide variant.
Coding change: c.964C>T on transcript NM_012470.4 (MANE Select); coding-DNA position 964, C replaced by T.
Protein change: p.Arg322Ter; replaces arginine 322 with a stop codon.
Molecular consequence: nonsense. On other transcripts: non-coding transcript variant (18).
Genome position (GRCh38, 1-based): chr7:129,000,476, G>A on the plus strand (C>T on the coding strand, the complement: TNPO3 is on the minus strand). VCF-style: chr7-129000476-G-A. GRCh37 (hg19) VCF-style: chr7-128640530-G-A.
Other names: c.964C>T, p.Arg322Ter (NM_001191028.3, NM_001382216.1, NM_001382218.1 and 4 more transcripts); c.1045C>T, p.Arg349Ter (NM_001382217.1); c.820C>T, p.Arg274Ter (NM_001382221.1); c.964C>T (NM_012470.3); short protein forms R322*, R274*, R349*.
Identifiers: ClinVar variation 501962 (VCV000501962.11), dbSNP rs751304152, ClinGen allele CA4478284.

ClinVar aggregate classification (germline): Uncertain significance. Review status: criteria provided, multiple submitters, no conflicts (2 of 4 stars). 3 submissions from 3 submitters: Uncertain significance (3). Last evaluated 2025-02-13.

Conditions:
Autosomal dominant limb-girdle muscular dystrophy type 1F (LGMDD2). Also called: MUSCULAR DYSTROPHY, LIMB-GIRDLE, AUTOSOMAL DOMINANT 2; Limb-girdle muscular dystrophy, type 1F. Identifiers: Orphanet 55595, MedGen C1842062, MONDO:0012034, OMIM 608423.

Allele frequency attached by ClinVar (database versions not stated): ExAC 0.00001; gnomAD exomes 0.00001; TOPMed 0.00001.
gnomAD v4.1: 8 of 1,614,082 alleles (0.0005%); highest among the groups gnomAD compares: South Asian, 0.0022%; no homozygotes.

Submissions (3):

Labcorp Genetics (formerly Invitae), Labcorp
Classification: Uncertain significance for Autosomal dominant limb-girdle muscular dystrophy type 1F. Last evaluated: 2025-02-13. Review status: criteria provided, single submitter. Criteria: Invitae Variant Classification Sherloc (09022015). Collection method: clinical testing. Allele origin: germline.
Comment: This sequence change creates a premature translational stop signal (p.Arg322*) in the TNPO3 gene. It is expected to result in an absent or disrupted protein product. However, the current clinical and genetic evidence is not sufficient to establish whether loss-of-function variants in TNPO3 cause disease. This variant is present in population databases (rs751304152, gnomAD 0.003%). This variant has not been reported in the literature in individuals affected with TNPO3-related conditions. ClinVar contains an entry for this variant (Variation ID: 501962). Algorithms developed to predict the effect of sequence changes on RNA splicing suggest that this variant may disrupt the consensus splice site. In summary, the available evidence is currently insufficient to determine the role of this variant in disease. Therefore, it has been classified as a Variant of Uncertain Significance.

Revvity Omics, Revvity
Classification: Uncertain significance for Autosomal dominant limb-girdle muscular dystrophy type 1F. Last evaluated: 2020-07-02. Review status: criteria provided, single submitter. Criteria: ACMG Guidelines, 2015. Collection method: clinical testing. Allele origin: germline.

Eurofins Ntd Llc (ga)
Classification: Uncertain significance. Last evaluated: 2017-05-22. Review status: criteria provided, single submitter. Criteria: EGL Classification Definitions 2015. Collection method: clinical testing. Allele origin: germline. Observed: 1 variant allele, 1 heterozygote.